The following is an entry in ClinVar:

NM_014324.6(AMACR):c.937G>A (p.Gly313Ser)

Genes: AMACR (alpha-methylacyl-CoA racemase; minus strand), C1QTNF3-AMACR (C1QTNF3-AMACR readthrough (NMD candidate); minus strand). Cytogenetic location: 5p13.2.
Variant type: single nucleotide variant.
Coding change: c.937G>A on transcript NM_014324.6 (MANE Select); coding-DNA position 937, G replaced by A.
Protein change: p.Gly313Ser; replaces glycine 313 with serine.
Molecular consequence: missense variant. On other transcripts: non-coding transcript variant (1), 3 prime UTR variant (1).
Genome position (GRCh38, 1-based): chr5:33,989,305, C>T on the plus strand (G>A on the coding strand, the complement: AMACR is on the minus strand). VCF-style: chr5-33989305-C-T. GRCh37 (hg19) VCF-style: chr5-33989410-C-T.
Other names: c.937G>A, p.Gly313Ser (NM_001167595.2); c.*179G>A (NM_203382.3); short protein forms G313S.
Identifiers: ClinVar variation 353251 (VCV000353251.10), dbSNP rs886060529, ClinGen allele CA10621622.

ClinVar aggregate classification (germline): Uncertain significance. Review status: criteria provided, multiple submitters, no conflicts (2 of 4 stars). 2 submissions from 2 submitters: Uncertain significance (2). Last evaluated 2022-08-05.

Conditions:
Alpha-methylacyl-CoA racemase deficiency (AMACRD). Also called: AMACR deficiency. Identifiers: Orphanet 79095, MedGen C3280428, MONDO:0013681, OMIM 614307. Disease mechanism: loss of function.

Submissions (2):

Labcorp Genetics (formerly Invitae), Labcorp
Classification: Uncertain significance for Alpha-methylacyl-CoA racemase deficiency. Last evaluated: 2022-08-05. Review status: criteria provided, single submitter. Criteria: Invitae Variant Classification Sherloc (09022015). Collection method: clinical testing. Allele origin: germline.
Comment: This sequence change replaces glycine, which is neutral and non-polar, with serine, which is neutral and polar, at codon 313 of the AMACR protein (p.Gly313Ser). In summary, the available evidence is currently insufficient to determine the role of this variant in disease. Therefore, it has been classified as a Variant of Uncertain Significance. Algorithms developed to predict the effect of missense changes on protein structure and function (SIFT, PolyPhen-2, Align-GVGD) all suggest that this variant is likely to be tolerated. ClinVar contains an entry for this variant (Variation ID: 353251). This variant has not been reported in the literature in individuals affected with AMACR-related conditions. This variant is not present in population databases (gnomAD no frequency).

Illumina Laboratory Services, Illumina
Classification: Uncertain significance for Alpha-methylacyl-CoA racemase deficiency. Last evaluated: 2018-01-13. Review status: criteria provided, single submitter. Criteria: ICSL Variant Classification Criteria 13 December 2019. Collection method: clinical testing. Allele origin: germline.